The following is an entry in ClinVar:

ClinVar aggregate classification (germline): Uncertain significance. Review status: criteria provided, multiple submitters, no conflicts (2 of 4 stars). 2 submissions from 2 submitters: Uncertain significance (2). Last evaluated 2025-11-23.

Conditions:
Inborn genetic diseases. Identifiers: MedGen C0950123, MeSH D030342.

Submissions (2):

Ambry Genetics
Classification: Uncertain significance for Inborn genetic diseases. Last evaluated: 2025-11-23. Review status: criteria provided, single submitter. Criteria: Ambry Variant Classification Scheme 2023. Collection method: clinical testing. Allele origin: germline.

CeGaT Center for Human Genetics Tuebingen
Classification: Uncertain significance. Last evaluated: 2025-07-01. Review status: criteria provided, single submitter. Criteria: CeGaT Center For Human Genetics Tuebingen Variant Classification Criteria Version 2. Collection method: clinical testing. Allele origin: germline. Affected: yes. Observed: 1 variant allele.
Comment: NOTCH3: PM2

NM_000435.3(NOTCH3):c.1457A>G (p.Asp486Gly)

Gene: NOTCH3 (notch receptor 3; minus strand). Cytogenetic location: 19p13.12.
Variant type: single nucleotide variant.
Coding change: c.1457A>G on transcript NM_000435.3 (MANE Select); coding-DNA position 1457, A replaced by G.
Protein change: p.Asp486Gly; replaces aspartic acid 486 with glycine.
Molecular consequence: missense variant.
Genome position (GRCh38, 1-based): chr19:15,188,270, T>C on the plus strand (A>G on the coding strand, the complement: NOTCH3 is on the minus strand). VCF-style: chr19-15188270-T-C. GRCh37 (hg19) VCF-style: chr19-15299081-T-C.
Other names: c.1457A>G (NM_000435.2); short protein forms D486G.
Identifiers: ClinVar variation 4085509 (VCV004085509.8).